The following is an entry in ClinVar:

NM_002294.3(LAMP2):c.906C>T (p.Ser302=)

Gene: LAMP2 (lysosome associated membrane protein 2; minus strand). Cytogenetic location: Xq24.
Variant type: single nucleotide variant.
Coding change: c.906C>T on transcript NM_002294.3 (MANE Select); coding-DNA position 906, C replaced by T.
Protein change: p.Ser302=; no amino-acid change (serine 302 retained).
Molecular consequence: synonymous variant.
Genome position (GRCh38, 1-based): chrX:120,442,621, G>A on the plus strand (C>T on the coding strand, the complement: LAMP2 is on the minus strand). VCF-style: chrX-120442621-G-A. GRCh37 (hg19) VCF-style: chrX-119576476-G-A.
Other names: c.906C>T, p.Ser302= (NM_001122606.1, NM_013995.2).
Identifiers: ClinVar variation 2090723 (VCV002090723.5), dbSNP rs2520864530, ClinGen allele CA518400541.

ClinVar aggregate classification (germline): Uncertain significance (1 of 4 stars; one submission).

Conditions:
Danon disease. Also called: Glycogen Storage Disease Type IIb; ANTOPOL DISEASE; PSEUDOGLYCOGENOSIS II; GSD IIb; LYSOSOMAL GLYCOGEN STORAGE DISEASE WITHOUT ACID MALTASE DEFICIENCY. Identifiers: Orphanet 34587, MedGen C0878677, MONDO:0010281, OMIM 300257.

Submissions (3):

Labcorp Genetics (formerly Invitae), Labcorp
Classification: Uncertain significance for Danon disease. Last evaluated: 2022-04-18. Review status: criteria provided, single submitter. Criteria: Invitae Variant Classification Sherloc (09022015). Collection method: clinical testing. Allele origin: germline.
Comment: This variant has not been reported in the literature in individuals affected with LAMP2-related conditions. This variant is not present in population databases (gnomAD no frequency). This sequence change affects codon 302 of the LAMP2 mRNA. It is a 'silent' change, meaning that it does not change the encoded amino acid sequence of the LAMP2 protein. Algorithms developed to predict the effect of sequence changes on RNA splicing suggest that this variant may disrupt the consensus splice site. In summary, the available evidence is currently insufficient to determine the role of this variant in disease. Therefore, it has been classified as a Variant of Uncertain Significance.

Dr. Peter K. Rogan Lab, Western University
No classification provided (evidence only). Condition: Thyroid cancer, nonmedullary, 1. Review status: no classification provided. Collection method: in vitro. Allele origin: not applicable. Functional consequence: retained intron. Not counted in ClinVar's aggregate classification.

Dr. Peter K. Rogan Lab, Western University
No classification provided (evidence only). Condition: Thyroid cancer, nonmedullary, 1. Review status: no classification provided. Collection method: in vitro. Allele origin: not applicable. Functional consequence: retained intron. Not counted in ClinVar's aggregate classification.